The following is an entry in ClinVar:

ClinVar aggregate classification (germline): Pathogenic (1 of 4 stars; one submission).

Submission:

Labcorp Genetics (formerly Invitae), Labcorp
Classification: Pathogenic. Last evaluated: 2021-03-06. Review status: criteria provided, single submitter. Criteria: Invitae Variant Classification Sherloc (09022015). Collection method: clinical testing. Allele origin: germline.
Comment: This sequence change creates a premature translational stop signal (p.Leu8Profs*10) in the NRL gene. It is expected to result in an absent or disrupted protein product. Loss-of-function variants in NRL are known to be pathogenic (PMID: 11694879, 15591106). This variant is not present in population databases (ExAC no frequency). This variant has not been reported in the literature in individuals with NRL-related conditions. For these reasons, this variant has been classified as Pathogenic.

Literature cited by the submitters: PubMed 11694879; PubMed 15591106.

NM_001354768.3(NRL):c.21_24del (p.Leu8fs)

Gene: NRL (neural retina leucine zipper; minus strand). Cytogenetic location: 14q11.2.
Variant type: Deletion.
Coding change: c.21_24del on transcript NM_001354768.3 (MANE Select); coding-DNA positions 21 to 24, 4 bases deleted (CCTG; older notation c.21_24delCCTG).
Protein change: p.Leu8fs; shifts the reading frame from leucine 8.
Molecular consequence: frameshift variant.
Genome position (GRCh38, 1-based): chr14:24,082,825-24,082,828, CAGG deleted on the plus strand (CCTG on the coding strand, the reverse complement: NRL is on the minus strand). VCF-style (leftmost placement, unchanged base first): chr14-24082824-CCAGG-C. GRCh37 (hg19) VCF-style: chr14-24552033-CCAGG-C.
Other names: c.21_24del, p.Leu8fs (NM_001354769.1, NM_001354770.2, NM_006177.5); short protein forms L8fs.
Identifiers: ClinVar variation 1369271 (VCV001369271.6), dbSNP rs2138876322, ClinGen allele CA2573149792.
Genomic context (GRCh38, chr14:24,082,824, plus strand): 5'-CAGAGGGTTCCCGCTTTACCTCAAACTTCATCAAGTCAAAGTCATTGACATATTCCATGG[CCAGG>C]GGGCTGGGGGGCAGGGCCATTCTGGAGCTGGGCTGGGAGGAGTGCACCTGCAAAGAGGAG-3'